The following is an entry in ClinVar:

NM_004415.4(DSP):c.5589C>T (p.Asp1863=)

Gene: DSP (desmoplakin; plus strand). Cytogenetic location: 6p24.3.
Variant type: single nucleotide variant.
Coding change: c.5589C>T on transcript NM_004415.4 (MANE Select); coding-DNA position 5589, C replaced by T.
Protein change: p.Asp1863=; no amino-acid change (aspartic acid 1863 retained).
Molecular consequence: synonymous variant.
Genome position (GRCh38, 1-based): chr6:7,582,851, C>T. VCF-style: chr6-7582851-C-T. GRCh37 (hg19) VCF-style: chr6-7583084-C-T.
Other names: c.3792C>T, p.Asp1264= (NM_001008844.3); c.4260C>T, p.Asp1420= (NM_001319034.2).
Identifiers: ClinVar variation 925607 (VCV000925607.8), dbSNP rs751379396, ClinGen allele CA045267.

ClinVar aggregate classification (germline): Benign/Likely benign. Review status: criteria provided, multiple submitters, no conflicts (2 of 4 stars). 4 submissions from 4 submitters: Benign (1); Likely benign (3). Last evaluated 2026-03-13.

Conditions:
Cardiomyopathy (CMYO). Also called: Cardiomyopathies. Identifiers: Orphanet 167848, MedGen C0878544, MONDO:0004994, HP:0001638. Inheritance: Various modes of inheritance.
Arrhythmogenic right ventricular dysplasia 8 (ARVD8). Also called: Arrhythmogenic Right Ventricular Dysplasia/Cardiomyopathy 8; ARRHYTHMOGENIC RIGHT VENTRICULAR DYSPLASIA, FAMILIAL, 8; ARRHYTHMOGENIC RIGHT VENTRICULAR CARDIOMYOPATHY 8. Identifiers: MedGen C1843896, MONDO:0011831, OMIM 607450.
Arrhythmogenic cardiomyopathy with wooly hair and keratoderma. Also called: Carvajal syndrome; Arrhythmogenic cardiomyopathy with woolly hair and keratoderma; PALMOPLANTAR KERATODERMA WITH LEFT VENTRICULAR CARDIOMYOPATHY AND WOOLLY HAIR; Dilated cardiomyopathy with woolly hair and keratoderma. Identifiers: Orphanet 65282, MedGen C1854063, MONDO:0011581, OMIM 605676.

Allele frequency attached by ClinVar (database versions not stated): gnomAD exomes 0.00001 and 0.00002; ExAC 0.00002.
gnomAD v4.1: 24 of 1,613,920 alleles (0.0015%); highest among the groups gnomAD compares: Non-Finnish European, 0.002%; no homozygotes.

Submissions (4):

Women's Health and Genetics/Laboratory Corporation of America, LabCorp
Classification: Likely benign. Last evaluated: 2026-03-13. Review status: criteria provided, single submitter. Criteria: LabCorp Variant Classification Summary - May 2015. Collection method: clinical testing. Allele origin: germline.

Labcorp Genetics (formerly Invitae), Labcorp
Classification: Benign for Arrhythmogenic cardiomyopathy with wooly hair and keratoderma; Arrhythmogenic right ventricular dysplasia 8. Last evaluated: 2023-11-13. Review status: criteria provided, single submitter. Criteria: Invitae Variant Classification Sherloc (09022015). Collection method: clinical testing. Allele origin: germline.

All of Us Research Program, National Institutes of Health
Classification: Likely benign for Arrhythmogenic cardiomyopathy with wooly hair and keratoderma. Last evaluated: 2023-05-04. Review status: criteria provided, single submitter. Criteria: ACMG Guidelines, 2015. Collection method: clinical testing. Allele origin: germline. Inheritance: Autosomal dominant inheritance. Observed: 1 variant allele, 1 heterozygote.
Comment: This study involves interpretation of variants in research participants for the purpose of population health screening. Participant phenotype was not available at the time of variant classification. Additional details can be found in publication PMID: 35346344, PMCID: PMC8962531

Color Diagnostics, LLC DBA Color Health
Classification: Likely benign for Cardiomyopathy. Last evaluated: 2018-12-10. Review status: criteria provided, single submitter. Criteria: ACMG Guidelines, 2015. Collection method: clinical testing. Allele origin: germline.